The following is an entry in ClinVar:

ClinVar aggregate classification (germline): Uncertain significance. Review status: criteria provided, multiple submitters, no conflicts (2 of 4 stars). 2 submissions from 2 submitters: Uncertain significance (2). Last evaluated 2026-06-22.

Conditions:
Hereditary cancer-predisposing syndrome. Also called: Tumor predisposition; Hereditary Cancer Syndrome; Hereditary neoplastic syndrome; Neoplastic Syndromes, Hereditary. Identifiers: Orphanet 140162, MedGen C0027672, MeSH D009386, MONDO:0015356.
Ataxia-telangiectasia syndrome (AT). Also called: AT, COMPLEMENTATION GROUP C; ATAXIA-TELANGIECTASIA, COMPLEMENTATION GROUP A; ATAXIA-TELANGIECTASIA, FRESNO VARIANT; Ataxia-telangiectasia; Ataxia-telangiectasia, complementation group E; Ataxia telangiectasia (A-T). Identifiers: Orphanet 100, MedGen C0004135, MONDO:0008840, OMIM 208900.

Allele frequency attached by ClinVar (database versions not stated): TOPMed below 0.00001.
gnomAD v4.1: 1 of 1,612,964 alleles (0.000062%); highest among the groups gnomAD compares: African/African-American, 0.0013%; no homozygotes.

Submissions (2):

Ambry Genetics
Classification: Uncertain significance for Hereditary cancer-predisposing syndrome. Last evaluated: 2026-06-22. Review status: criteria provided, single submitter. Criteria: Ambry Variant Classification Scheme 2023. Collection method: clinical testing. Allele origin: germline.
Comment: The p.D1208E variant (also known as c.3624C>G), located in coding exon 24 of the ATM gene, results from a C to G substitution at nucleotide position 3624. The aspartic acid at codon 1208 is replaced by glutamic acid, an amino acid with highly similar properties. In an assay testing ATM function, this variant showed a functionally abnormal result (Lee KS et al. Cell, 2025 Sep;188:5081-5099.e27). This amino acid position is well conserved in available vertebrate species. In addition, this alteration is predicted to be tolerated by in silico analysis. Based on the available evidence, the clinical significance of this variant remains unclear.

Labcorp Genetics (formerly Invitae), Labcorp
Classification: Uncertain significance for Ataxia-telangiectasia syndrome. Last evaluated: 2022-04-27. Review status: criteria provided, single submitter. Criteria: Invitae Variant Classification Sherloc (09022015). Collection method: clinical testing. Allele origin: germline.
Comment: In summary, the available evidence is currently insufficient to determine the role of this variant in disease. Therefore, it has been classified as a Variant of Uncertain Significance. Advanced modeling of protein sequence and biophysical properties (such as structural, functional, and spatial information, amino acid conservation, physicochemical variation, residue mobility, and thermodynamic stability) performed at Invitae indicates that this missense variant is not expected to disrupt ATM protein function. This variant has not been reported in the literature in individuals affected with ATM-related conditions. This variant is not present in population databases (gnomAD no frequency). This sequence change replaces aspartic acid, which is acidic and polar, with glutamic acid, which is acidic and polar, at codon 1208 of the ATM protein (p.Asp1208Glu).

Literature cited by the submitters: PubMed 40580951 (cited by Ambry Genetics).

NM_000051.4(ATM):c.3624C>G (p.Asp1208Glu)

Gene: ATM (ATM serine/threonine kinase; plus strand). Cytogenetic location: 11q22.3.
Variant type: single nucleotide variant.
Coding change: c.3624C>G on transcript NM_000051.4 (MANE Select); coding-DNA position 3624, C replaced by G.
Protein change: p.Asp1208Glu; replaces aspartic acid 1208 with glutamic acid.
Molecular consequence: missense variant.
Genome position (GRCh38, 1-based): chr11:108,282,757, C>G. VCF-style: chr11-108282757-C-G. GRCh37 (hg19) VCF-style: chr11-108153484-C-G.
Other names: c.3624C>G, p.Asp1208Glu (NM_001351834.2); short protein forms D1208E.
Identifiers: ClinVar variation 2130978 (VCV002130978.5), dbSNP rs2082298022, ClinGen allele CA382522839.